The following is an entry in ClinVar:

NM_000275.3(OCA2):c.1850T>C (p.Ile617Thr)

Gene: OCA2 (OCA2 melanosomal transmembrane protein; minus strand). Cytogenetic location: 15q13.1.
Variant type: single nucleotide variant.
Coding change: c.1850T>C on transcript NM_000275.3 (MANE Select); coding-DNA position 1850, T replaced by C.
Protein change: p.Ile617Thr; replaces isoleucine 617 with threonine.
Molecular consequence: missense variant.
Genome position (GRCh38, 1-based): chr15:27,951,885, A>G on the plus strand (T>C on the coding strand, the complement: OCA2 is on the minus strand). VCF-style: chr15-27951885-A-G. GRCh37 (hg19) VCF-style: chr15-28197031-A-G.
Other names: c.1778T>C, p.Ile593Thr (NM_001300984.2); short protein forms I617T, I593T.
Identifiers: ClinVar variation 1502362 (VCV001502362.6), dbSNP rs775588367, ClinGen allele CA7438868.

ClinVar aggregate classification (germline): Conflicting classifications of pathogenicity. Review status: criteria provided, conflicting classifications (1 of 4 stars). 2 submissions from 2 submitters: Likely pathogenic (1); Uncertain significance (1). Last evaluated 2024-04-23.

Conditions:
OCA2-related disorder. Also called: OCA2-related condition.

Allele frequency attached by ClinVar (database versions not stated): ExAC 0.00002; gnomAD 0.00002; gnomAD exomes 0.00002; TOPMed 0.00002.
gnomAD v4.1: 29 of 1,610,544 alleles (0.0018%); highest among the groups gnomAD compares: Middle Eastern, 0.033%; no homozygotes.

Submissions (2):

Blueprint Genetics
Classification: Likely pathogenic for OCA2-related disorders. Last evaluated: 2024-04-23. Review status: criteria provided, single submitter. Criteria: ACMG Guidelines, 2015. Collection method: clinical testing. Allele origin: germline. Affected: yes. Observed: 4 variant alleles.

Labcorp Genetics (formerly Invitae), Labcorp
Classification: Uncertain significance. Last evaluated: 2022-06-04. Review status: criteria provided, single submitter. Criteria: Invitae Variant Classification Sherloc (09022015). Collection method: clinical testing. Allele origin: germline.
Comment: This sequence change replaces isoleucine, which is neutral and non-polar, with threonine, which is neutral and polar, at codon 617 of the OCA2 protein (p.Ile617Thr). This variant is present in population databases (rs775588367, gnomAD 0.004%). This variant has not been reported in the literature in individuals affected with OCA2-related conditions. ClinVar contains an entry for this variant (Variation ID: 1502362). Advanced modeling of protein sequence and biophysical properties (such as structural, functional, and spatial information, amino acid conservation, physicochemical variation, residue mobility, and thermodynamic stability) performed at Invitae indicates that this missense variant is expected to disrupt OCA2 protein function. In summary, the available evidence is currently insufficient to determine the role of this variant in disease. Therefore, it has been classified as a Variant of Uncertain Significance.